The following is an entry in ClinVar:

ClinVar aggregate classification (germline): Uncertain significance (1 of 4 stars; one submission).

Submission:

Ambry Genetics
Classification: Uncertain significance. Last evaluated: 2026-08-29. Review status: criteria provided, single submitter. Criteria: Ambry Variant Classification Scheme 2023. Collection method: clinical testing. Allele origin: germline.
Comment: The p.V803L variant (also known as c.2407G>C), located in coding exon 21 of the SLMAP gene, results from a G to C substitution at nucleotide position 2407. The valine at codon 803 is replaced by leucine, an amino acid with highly similar properties. This amino acid position is conserved. In addition, this alteration is predicted to be tolerated by in silico analysis. Based on the available evidence, the clinical significance of this variant remains unclear.

NM_001377540.1(SLMAP):c.*70G>C

Gene: SLMAP (sarcolemma associated protein; plus strand). Cytogenetic location: 3p14.3.
Variant type: single nucleotide variant.
Coding change: c.*70G>C on transcript NM_001377540.1 (MANE Select); 70 bases downstream of the stop codon, G replaced by C.
Molecular consequence: 3 prime UTR variant. On other transcripts: missense variant (10), non-coding transcript variant (1).
Genome position (GRCh38, 1-based): chr3:57,927,359, G>C. VCF-style: chr3-57927359-G-C. GRCh37 (hg19) VCF-style: chr3-57913086-G-C.
Other names: c.2458G>C, p.Val820Leu (NM_001304420.3); c.2344G>C, p.Val782Leu (NM_001304421.2, NM_001377557.1); c.1060G>C, p.Val354Leu (NM_001304422.3); c.862G>C, p.Val288Leu (NM_001304423.3); c.*70G>C (NM_001311178.2, NM_001377541.1, NM_001377542.1 and 12 more transcripts); c.2530G>C, p.Val844Leu (NM_001377538.1); c.2509G>C, p.Val837Leu (NM_001377539.1); c.2395G>C, p.Val799Leu (NM_001377551.1); and 2 more; short protein forms V313L, V288L, V837L, V354L, V782L, V803L, V820L, V844L.
Identifiers: ClinVar variation 5029685 (VCV005029685.1).
Genomic context (GRCh38, chr3:57,927,359, plus strand): 5'-CCCTGGCCCTGGATGCCCATGTTGGCTGCCCTGGTTGCAGTAACAGCCATCGTGCTGTAC[G>C]TGCCAGGTCTGGCCAGAGCTTCTCCATGAGAGCGTTCCTTGAGTCCGTACACCGTCCTCC-3'